The following is an entry in ClinVar:

NM_014905.5(GLS):c.217T>C (p.Ser73Pro)

Gene: GLS (glutaminase; plus strand). Cytogenetic location: 2q32.2.
Variant type: single nucleotide variant.
Coding change: c.217T>C on transcript NM_014905.5 (MANE Select); coding-DNA position 217, T replaced by C.
Protein change: p.Ser73Pro; replaces serine 73 with proline.
Molecular consequence: missense variant.
Genome position (GRCh38, 1-based): chr2:190,881,301, T>C. VCF-style: chr2-190881301-T-C. GRCh37 (hg19) VCF-style: chr2-191746027-T-C.
Other names: c.217T>C, p.Ser73Pro (NM_001256310.2); short protein forms S73P.
Identifiers: ClinVar variation 2651764 (VCV002651764.24), dbSNP rs2470211735, ClinGen allele CA349900270.

ClinVar aggregate classification (germline): Uncertain significance (1 of 4 stars; one submission).

gnomAD v4.1: 1 of 1,490,102 alleles (0.000067%); highest among the groups gnomAD compares: Non-Finnish European, 0.000089%; no homozygotes.

Submission:

CeGaT Center for Human Genetics Tuebingen
Classification: Uncertain significance. Last evaluated: 2023-09-01. Review status: criteria provided, single submitter. Criteria: CeGaT Center For Human Genetics Tuebingen Variant Classification Criteria Version 2. Collection method: clinical testing. Allele origin: germline. Affected: yes. Observed: 1 variant allele.
Comment: GLS: PM2